The following is an entry in ClinVar:

ClinVar aggregate classification (germline): Uncertain significance (1 of 4 stars; one submission).

gnomAD v4.1: 2 of 1,613,808 alleles (0.00012%); highest among the groups gnomAD compares: African/African-American, 0.0027%; no homozygotes.

Submission:

Mayo Clinic Laboratories, Mayo Clinic
Classification: Uncertain significance. Last evaluated: 2024-01-17. Review status: criteria provided, single submitter. Criteria: ACMG Guidelines, 2015. Collection method: clinical testing. Allele origin: germline. Observed: 1 variant allele.
Comment: BP4, PM2_moderate

NM_001160148.2(DDHD1):c.519G>C (p.Lys173Asn)

Gene: DDHD1 (DDHD domain containing 1; minus strand). Cytogenetic location: 14q22.1.
Variant type: single nucleotide variant.
Coding change: c.519G>C on transcript NM_001160148.2 (MANE Select); coding-DNA position 519, G replaced by C.
Protein change: p.Lys173Asn; replaces lysine 173 with asparagine.
Molecular consequence: missense variant.
Genome position (GRCh38, 1-based): chr14:53,152,580, C>G on the plus strand (G>C on the coding strand, the complement: DDHD1 is on the minus strand). VCF-style: chr14-53152580-C-G. GRCh37 (hg19) VCF-style: chr14-53619298-C-G.
Other names: p.Lys173Asn; c.519G>C, p.Lys173Asn (NM_001160147.2, NM_030637.3); short protein forms K173N.
Identifiers: ClinVar variation 3380195 (VCV003380195.1).